The following is an entry in ClinVar:

NM_006516.4(SLC2A1):c.1272T>G (p.Tyr424Ter)

Gene: SLC2A1 (solute carrier family 2 member 1; minus strand). Cytogenetic location: 1p34.2.
Variant type: single nucleotide variant.
Coding change: c.1272T>G on transcript NM_006516.4 (MANE Select); coding-DNA position 1272, T replaced by G.
Protein change: p.Tyr424Ter; replaces tyrosine 424 with a stop codon.
Molecular consequence: nonsense.
Genome position (GRCh38, 1-based): chr1:42,927,611, A>C on the plus strand (T>G on the coding strand, the complement: SLC2A1 is on the minus strand). VCF-style: chr1-42927611-A-C. GRCh37 (hg19) VCF-style: chr1-43393282-A-C.
Other names: p.Y424*:TAT>TAG; short protein forms Y424*.
Identifiers: ClinVar variation 207213 (VCV000207213.8), dbSNP rs796053264, ClinGen allele CA318471.
Genomic context (GRCh38, chr1:42,927,611, plus strand): 5'-CAGCACTGTGGGGTCATGCGTGCGGGTGAGTATAGAGACAGTGGGGGTTCTCACCTCCAC[A>C]TACTGGAAGCACATGCCCACAATGAAATTTGAGGTCCAGTTGGAGAAGCCTGCAACGGCA-3'

ClinVar aggregate classification (germline): Pathogenic. Review status: criteria provided, multiple submitters, no conflicts (2 of 4 stars). 3 submissions from 3 submitters: Pathogenic (3). Last evaluated 2025-04-07.

Conditions:
Encephalopathy due to GLUT1 deficiency. Also called: GLUT1 deficiency syndrome 1, infantile onset, severe; GLUCOSE TRANSPORT DEFECT, BLOOD-BRAIN BARRIER; Classic Glucose Transporter Type 1 Deficiency Syndrome; De Vivo disease; GLUT1 deficiency syndrome 1; Glucose transporter protein syndrome. Identifiers: Orphanet 71277, MedGen C4551966, MONDO:0011724, OMIM 606777.
GLUT1 deficiency syndrome 1, autosomal recessive. Identifiers: MedGen C3149117.

Submissions (3):

GeneDx
Classification: Pathogenic. Last evaluated: 2025-04-07. Review status: criteria provided, single submitter. Criteria: GeneDx Variant Classification Process June 2021. Collection method: clinical testing. Allele origin: germline. Affected: yes.
Comment: Identified in a patient with GLUT1 deficiency syndrome in the published literature (PMID: 22011817); Nonsense variant predicted to result in protein truncation, as the last 69 amino acid(s) are lost, and other loss-of-function variants have been reported downstream in HGMD; Not observed at significant frequency in large population cohorts (gnomAD); This variant is associated with the following publications: (PMID: 29655203, 36965413, 22011817)

Labcorp Genetics (formerly Invitae), Labcorp
Classification: Pathogenic for GLUT1 deficiency syndrome 1, autosomal recessive. Last evaluated: 2024-05-15. Review status: criteria provided, single submitter. Criteria: Invitae Variant Classification Sherloc (09022015). Collection method: clinical testing. Allele origin: germline.
Comment: This sequence change creates a premature translational stop signal (p.Tyr424*) in the SLC2A1 gene. While this is not anticipated to result in nonsense mediated decay, it is expected to disrupt the last 69 amino acid(s) of the SLC2A1 protein. This variant is not present in population databases (gnomAD no frequency). This premature translational stop signal has been observed in individual(s) with clinical features of SLC2A1-related conditions (PMID: 22011817, 29655203). ClinVar contains an entry for this variant (Variation ID: 207213). This variant disrupts a region of the SLC2A1 protein in which other variant(s) (p.Pro485Leu) have been determined to be pathogenic (PMID: 18387950, 19237265, 20129935, 30197081, 32802945). This suggests that this is a clinically significant region of the protein, and that variants that disrupt it are likely to be disease-causing. For these reasons, this variant has been classified as Pathogenic.

Genome-Nilou Lab
Classification: Pathogenic for Encephalopathy due to GLUT1 deficiency. Last evaluated: 2023-04-11. Review status: criteria provided, single submitter. Criteria: ACMG Guidelines, 2015. Collection method: clinical testing. Allele origin: germline. Affected: no.

Literature cited by the submitters: PubMed 22011817 (cited by Labcorp Genetics (formerly Invitae), Labcorp); PubMed 29655203 (cited by Labcorp Genetics (formerly Invitae), Labcorp); PubMed 18387950 (cited by Labcorp Genetics (formerly Invitae), Labcorp); PubMed 19237265 (cited by Labcorp Genetics (formerly Invitae), Labcorp); PubMed 20129935 (cited by Labcorp Genetics (formerly Invitae), Labcorp); PubMed 30197081 (cited by Labcorp Genetics (formerly Invitae), Labcorp); PubMed 32802945 (cited by Labcorp Genetics (formerly Invitae), Labcorp).